The following is an entry in ClinVar:

NM_000135.4(FANCA):c.4010+1G>A

Genes: FANCA (FA complementation group A; minus strand), ZNF276 (zinc finger protein 276; plus strand). Cytogenetic location: 16q24.3.
Variant type: single nucleotide variant.
Coding change: c.4010+1G>A on transcript NM_000135.4 (MANE Select); the canonical splice donor site of the intron after coding-DNA position 4010, G replaced by A.
Molecular consequence: splice donor variant. On other transcripts: 3 prime UTR variant (2), non-coding transcript variant (4).
Genome position (GRCh38, 1-based): chr16:89,739,477, C>T on the plus strand (G>A on the coding strand, the complement: FANCA is on the minus strand). VCF-style: chr16-89739477-C-T. GRCh37 (hg19) VCF-style: chr16-89805885-C-T.
Other names: c.*1231C>T (NM_001113525.2, NM_152287.4); c.4010+1G>A (NM_001286167.3).
Identifiers: ClinVar variation 974063 (VCV000974063.2), dbSNP rs2062067810, ClinGen allele CA397484732.

ClinVar aggregate classification (germline): Pathogenic. Review status: criteria provided, single submitter (1 of 4 stars). 2 submissions from 2 submitters: Pathogenic (1). 1 of the submissions does not count toward it. Last evaluated 2024-03-21.

Conditions:
Fanconi anemia complementation group A (FANCA). Also called: Fanconi anemia, group A; FANCA-Related Fanconi Anemia. Identifiers: Orphanet 84, MedGen C3469521, MONDO:0009215, OMIM 227650.

Submissions (2):

Baylor Genetics
Classification: Pathogenic for Fanconi anemia complementation group A. Last evaluated: 2024-03-21. Review status: criteria provided, single submitter. Criteria: ACMG Guidelines, 2015. Collection method: clinical testing. Allele origin: unknown.

Leiden Open Variation Database
Classification: Likely pathogenic for Fanconi anemia complementation group A. Last evaluated: 2020-02-28. Review status: no assertion criteria provided. Collection method: curation. Allele origin: germline. Affected: yes. Not counted in ClinVar's aggregate classification.
Comment: Curator: Arleen D. Auerbach. Submitter to LOVD: Arleen D. Auerbach.